The following is an entry in ClinVar:

ClinVar aggregate classification (germline): Uncertain significance (1 of 4 stars; one submission).

Allele frequency attached by ClinVar (database versions not stated): TOPMed 0.00001; gnomAD 0.00003; gnomAD exomes 0.00004; ExAC 0.00011; 1000 Genomes Project 30x 0.00016; 1000 Genomes Project 0.00020.
gnomAD v4.1: 67 of 1,613,500 alleles (0.0042%); highest among the groups gnomAD compares: South Asian, 0.047%; no homozygotes.

Submission:

Labcorp Genetics (formerly Invitae), Labcorp
Classification: Uncertain significance. Last evaluated: 2024-03-06. Review status: criteria provided, single submitter. Criteria: Invitae Variant Classification Sherloc (09022015). Collection method: clinical testing. Allele origin: germline.
Comment: This sequence change replaces leucine, which is neutral and non-polar, with serine, which is neutral and polar, at codon 4 of the GUCY2C protein (p.Leu4Ser). This variant is present in population databases (rs534813812, gnomAD 0.06%). This variant has not been reported in the literature in individuals affected with GUCY2C-related conditions. Algorithms developed to predict the effect of missense changes on protein structure and function output the following: SIFT: "Not Available"; PolyPhen-2: "Benign"; Align-GVGD: "Not Available". The serine amino acid residue is found in multiple mammalian species, which suggests that this missense change does not adversely affect protein function. In summary, the available evidence is currently insufficient to determine the role of this variant in disease. Therefore, it has been classified as a Variant of Uncertain Significance.

NM_004963.4(GUCY2C):c.11T>C (p.Leu4Ser)

Genes: GUCY2C (guanylate cyclase 2C; minus strand), GUCY2C-AS1 (GUCY2C antisense RNA 1; plus strand). Cytogenetic location: 12p12.3.
Variant type: single nucleotide variant.
Coding change: c.11T>C on transcript NM_004963.4 (MANE Select); coding-DNA position 11, T replaced by C.
Protein change: p.Leu4Ser; replaces leucine 4 with serine.
Molecular consequence: missense variant.
Genome position (GRCh38, 1-based): chr12:14,696,438, A>G on the plus strand (T>C on the coding strand, the complement: GUCY2C is on the minus strand). VCF-style: chr12-14696438-A-G. GRCh37 (hg19) VCF-style: chr12-14849372-A-G.
Other names: short protein forms L4S.
Identifiers: ClinVar variation 2897315 (VCV002897315.3), dbSNP rs534813812, ClinGen allele CA6463864.